The following is an entry in ClinVar:

NM_001022.4(RPS19):c.13dup (p.Thr5fs)

Genes: RPS19 (ribosomal protein S19; plus strand), RPS19-CD79A (RPS19-CD79A readthrough; plus strand). Cytogenetic location: 19q13.2.
Variant type: Duplication.
Coding change: c.13dup on transcript NM_001022.4 (MANE Select); coding-DNA position 13, one base duplicated (A; older notation c.13dupA).
Protein change: p.Thr5fs; shifts the reading frame from threonine 5.
Molecular consequence: frameshift variant.
Genome position (GRCh38, 1-based): chr19:41,860,787, A duplicated. VCF-style (leftmost placement, unchanged base first): chr19-41860786-T-TA. GRCh37 (hg19) VCF-style: chr19-42364856-T-TA.
Other names: c.13dupA (NM_001022.3); c.13dup, p.Thr5fs (NM_001321483.2, NM_001321484.2, NM_001321485.2); short protein forms T5fs.
Identifiers: ClinVar variation 858368 (VCV000858368.3), dbSNP rs149420497, ClinGen allele CA308588702.
Genomic context (GRCh38, chr19:41,860,786, plus strand): 5'-CAGTCGTCTCTGCCAGGCCTGTGTTCACATGCTTGACTTTCTCCCTCAGATGCCTGGAGT[T>TA]ACTGTAAAAGACGTGAACCAGCAGGAGTTCGTCAGAGCTCTGGCAGCCTTCCTCAAAAAG-3'

ClinVar aggregate classification (germline): Pathogenic. Review status: criteria provided, multiple submitters, no conflicts (2 of 4 stars). 2 submissions from 2 submitters: Pathogenic (2). Last evaluated 2019-12-16.

Conditions:
Diamond-Blackfan anemia. Also called: Blackfan Diamond syndrome; Aregenerative anemia chronic congenital; Red cell aplasia, pure hereditary; Congenital hypoplastic anemia; Aase syndrome. Identifiers: Orphanet 124, MedGen C1260899, MeSH D029503, MONDO:0015253, HP:0004810.

Submissions (2):

Labcorp Genetics (formerly Invitae), Labcorp
Classification: Pathogenic for Diamond-Blackfan anemia. Last evaluated: 2019-12-16. Review status: criteria provided, single submitter. Criteria: Invitae Variant Classification Sherloc (09022015). Collection method: clinical testing. Allele origin: germline.
Comment: This sequence change creates a premature translational stop signal (p.Thr5Asnfs*46) in the RPS19 gene. It is expected to result in an absent or disrupted protein product. This variant is not present in population databases (ExAC no frequency). This variant has been observed in individual(s) and a stillborn fetus affected with Diamond-Blackfan anaemia (PMID: 9988267, 23349008). Loss-of-function variants in RPS19 are known to be pathogenic (PMID: 20960466). For these reasons, this variant has been classified as Pathogenic.

Ambry Genetics
Classification: Pathogenic for Diamond-Blackfan anemia. Last evaluated: 2018-06-04. Review status: criteria provided, single submitter. Criteria: Ambry Variant Classification Scheme 2023. Collection method: clinical testing. Allele origin: germline.
Comment: The c.13dupA pathogenic mutation, located in coding exon 1 of the RPS19 gene, results from a duplication of A at nucleotide position 13, causing a translational frameshift with a predicted alternate stop codon (p.T5Nfs*46). This mutation was identified in one individual with Diamond-Blackfan anemia (DBA) (Draptchinskaia N et al. Nat. Genet., 1999 Feb;21:169-75). Cultured cells from a transfusion dependent individual with DBA demonstrated reduced RPS19 mRNA levels (Chatr-Aryamontri A et al. Hum. Mutat., 2004 Dec;24:526-33). In addition to the clinical data presented in the literature, this alteration is expected to result in loss of function by premature protein truncation or nonsense-mediated mRNA decay. As such, this alteration is interpreted as a disease-causing mutation.

Literature cited by the submitters: PubMed 23349008 (cited by Labcorp Genetics (formerly Invitae), Labcorp); PubMed 9988267 (cited by Labcorp Genetics (formerly Invitae), Labcorp and Ambry Genetics); PubMed 15523650 (cited by Ambry Genetics).